The following is an entry in ClinVar:

ClinVar aggregate classification (germline): Uncertain significance (1 of 4 stars; one submission).

Conditions:
Cardiovascular phenotype. Identifiers: MedGen CN230736.

Submission:

Ambry Genetics
Classification: Uncertain significance for Cardiovascular phenotype. Last evaluated: 2026-07-01. Review status: criteria provided, single submitter. Criteria: Ambry Variant Classification Scheme 2023. Collection method: clinical testing. Allele origin: germline.
Comment: The p.E4061K variant (also known as c.12181G>A), located in coding exon 29 of the APOB gene, results from a G to A substitution at nucleotide position 12181. The glutamic acid at codon 4061 is replaced by lysine, an amino acid with similar properties. This amino acid position is conserved. In addition, this alteration is predicted to be tolerated by in silico analysis. Based on the available evidence, the clinical significance of this variant remains unclear.

NM_000384.3(APOB):c.12181G>A (p.Glu4061Lys)

Gene: APOB (apolipoprotein B; minus strand). Cytogenetic location: 2p24.1.
Variant type: single nucleotide variant.
Coding change: c.12181G>A on transcript NM_000384.3 (MANE Select); coding-DNA position 12181, G replaced by A.
Protein change: p.Glu4061Lys; replaces glutamic acid 4061 with lysine.
Molecular consequence: missense variant.
Genome position (GRCh38, 1-based): chr2:21,003,241, C>T on the plus strand (G>A on the coding strand, the complement: APOB is on the minus strand). VCF-style: chr2-21003241-C-T. GRCh37 (hg19) VCF-style: chr2-21226113-C-T.
Other names: short protein forms E4061K.
Identifiers: ClinVar variation 5026966 (VCV005026966.1).